The following is an entry in ClinVar:

NM_000368.5(TSC1):c.2301G>C (p.Gln767His)

Gene: TSC1 (TSC complex subunit 1; minus strand). Cytogenetic location: 9q34.13.
Variant type: single nucleotide variant.
Coding change: c.2301G>C on transcript NM_000368.5 (MANE Select); coding-DNA position 2301, G replaced by C.
Protein change: p.Gln767His; replaces glutamine 767 with histidine.
Molecular consequence: missense variant. On other transcripts: non-coding transcript variant (5).
Genome position (GRCh38, 1-based): chr9:132,902,695, C>G on the plus strand (G>C on the coding strand, the complement: TSC1 is on the minus strand). VCF-style: chr9-132902695-C-G. GRCh37 (hg19) VCF-style: chr9-135778082-C-G.
Other names: c.2298G>C, p.Gln766His (NM_001162426.2, NM_001406597.1, NM_001406598.1 and 4 more transcripts); c.2148G>C, p.Gln716His (NM_001162427.2, NM_001406610.1); c.1938G>C, p.Gln646His (NM_001362177.2, NM_001406624.1, NM_001406614.1 and 5 more transcripts); c.2301G>C, p.Gln767His (NM_001406592.1, NM_001406593.1, NM_001406594.1 and 5 more transcripts); c.2286G>C, p.Gln762His (NM_001406601.1, NM_001406602.1); c.2283G>C, p.Gln761His (NM_001406603.1, NM_001406604.1); c.1935G>C, p.Gln645His (NM_001406621.1, NM_001406622.1, NM_001406623.1 and 2 more transcripts); c.1350G>C, p.Gln450His (NM_001406626.1); and 3 more; short protein forms Q416H, Q449H, Q716H, Q766H, Q646H, Q715H, Q767H, Q450H.
Identifiers: ClinVar variation 4192087 (VCV004192087.1).
Genomic context (GRCh38, chr9:132,902,695, plus strand): 5'-CTCTCGGTCATGCTGCAGCTGTCTGATCTGGCTGTGGAGCTTGGTTACCATAGTGTCACG[C>G]TGCTCCTGGAGCTGATTGTATCTAGCTTGTTCTTTCTGCAGACTAACCTTCCACATCTGG-3'
Protein context (NP_000359.1, residues 757-777): EQARYNQLQE[Gln767His]RDTMVTKLHS

ClinVar aggregate classification (germline): Uncertain significance (1 of 4 stars; one submission).

Conditions:
Hereditary cancer-predisposing syndrome. Also called: Neoplastic Syndromes, Hereditary; Tumor predisposition; Hereditary Cancer Syndrome; Hereditary neoplastic syndrome. Identifiers: Orphanet 140162, MedGen C0027672, MeSH D009386, MONDO:0015356.

gnomAD v4.1: 1 of 1,614,210 alleles (0.000062%); highest among the groups gnomAD compares: Non-Finnish European, 0.000085%; no homozygotes.

Submission:

Ambry Genetics
Classification: Uncertain significance for Hereditary cancer-predisposing syndrome. Last evaluated: 2025-08-02. Review status: criteria provided, single submitter. Criteria: Ambry Variant Classification Scheme 2023. Collection method: clinical testing. Allele origin: germline.
Comment: The p.Q767H variant (also known as c.2301G>C), located in coding exon 16 of the TSC1 gene, results from a G to C substitution at nucleotide position 2301. The glutamine at codon 767 is replaced by histidine, an amino acid with highly similar properties. This amino acid position is conserved. In addition, this alteration is predicted to be tolerated by in silico analysis. Based on the available evidence, the clinical significance of this variant remains unclear.